The following is an entry in ClinVar:

NM_004523.4(KIF11):c.1927A>G (p.Thr643Ala)

Gene: KIF11 (kinesin family member 11; plus strand). Cytogenetic location: 10q23.33.
Variant type: single nucleotide variant.
Coding change: c.1927A>G on transcript NM_004523.4 (MANE Select); coding-DNA position 1927, A replaced by G.
Protein change: p.Thr643Ala; replaces threonine 643 with alanine.
Molecular consequence: missense variant.
Genome position (GRCh38, 1-based): chr10:92,637,235, A>G. VCF-style: chr10-92637235-A-G. GRCh37 (hg19) VCF-style: chr10-94396992-A-G.
Other names: short protein forms T643A.
Identifiers: ClinVar variation 4858796 (VCV004858796.1).

ClinVar aggregate classification (germline): Uncertain significance (1 of 4 stars; one submission).

Conditions:
Inborn genetic diseases. Identifiers: MedGen C0950123, MeSH D030342.

gnomAD v4.1: 5 of 1,587,452 alleles (0.00031%); highest among the groups gnomAD compares: South Asian, 0.0035%; no homozygotes.

Submission:

Ambry Genetics
Classification: Uncertain significance for Inborn genetic diseases. Last evaluated: 2026-04-20. Review status: criteria provided, single submitter. Criteria: Ambry Variant Classification Scheme 2023. Collection method: clinical testing. Allele origin: germline.
Comment: The c.1927A>G (p.T643A) alteration is located in exon 15 (coding exon 15) of the KIF11 gene. This alteration results from a A to G substitution at nucleotide position 1927, causing the threonine (T) at amino acid position 643 to be replaced by an alanine (A). Based on data from gnomAD, the G allele has an overall frequency of 0.001% (3/224834) total alleles studied. The highest observed frequency was 0.018% (1/5526) of Other alleles. Based on insufficient or conflicting evidence, the clinical significance of this alteration remains unclear.